The following is an entry in ClinVar:

ClinVar aggregate classification (germline): Likely pathogenic (1 of 4 stars; one submission).

Conditions:
Hereditary breast ovarian cancer syndrome. Also called: Hereditary breast and ovarian cancer syndrome (HBOC); Breast and ovarian cancer; Hereditary breast and ovarian cancer; Hereditary breast and ovarian cancer syndrome; BRCA1- and BRCA2-Associated Hereditary Breast and Ovarian Cancer; Hereditary breast and/or ovarian cancer syndrome. Identifiers: Orphanet 145, MedGen C0677776, MeSH D061325, MONDO:0003582. Disease mechanism: loss of function.

Submission:

Women's Health and Genetics/Laboratory Corporation of America, LabCorp
Classification: Likely pathogenic for Hereditary breast ovarian cancer syndrome. Last evaluated: 2025-12-01. Review status: criteria provided, single submitter. Criteria: LabCorp Variant Classification Summary - May 2015. Collection method: clinical testing. Allele origin: germline.
Comment: Variant summary: BRCA2 c.7436-1dupG is located in a canonical splice-site and is predicted to affect mRNA splicing resulting in a significantly altered protein due to either exon skipping, shortening, or inclusion of intronic material. Variants that disrupt the consensus splice site are a relatively common cause of aberrant splicing and loss of BRCA2 function. Several computational tools predict a significant impact on normal splicing: Four predict the variant abolishes a canonical 3' acceptor site. Four predict the variant creates a cryptic 3' acceptor site. However, these predictions have yet to be confirmed by functional studies. The variant was absent in 251022 control chromosomes. To our knowledge, no occurrence of c.7436-1dupG in individuals affected with BRCA2-related conditions and no experimental evidence demonstrating its impact on protein function have been reported. No submitters have cited clinical-significance assessments for this variant to ClinVar. Based on the evidence outlined above, the variant was classified as likely pathogenic.

NM_000059.4(BRCA2):c.7436-1dup

Gene: BRCA2 (BRCA2 DNA repair associated; plus strand). Cytogenetic location: 13q13.1.
Variant type: Duplication.
Coding change: c.7436-1dup on transcript NM_000059.4 (MANE Select); the canonical splice acceptor site of the intron before coding-DNA position 7436, one base duplicated (G; older notation c.7436-1dupG).
Molecular consequence: splice acceptor variant.
Genome position (GRCh38, 1-based): chr13:32,356,427, G duplicated. VCF-style (leftmost placement, unchanged base first): chr13-32356426-A-AG. GRCh37 (hg19) VCF-style: chr13-32930563-A-AG.
Other names: c.7436-1dupG (NM_000059.4); c.7436-1dup (NM_001432077.1, NM_001406720.1); c.7340-1dup (NM_001406719.1); c.2504-1dup (NM_001406721.1); c.1019-1dup (NM_001406722.1).
Identifiers: ClinVar variation 4688717 (VCV004688717.1).